The following is an entry in ClinVar:

ClinVar aggregate classification (germline): Uncertain significance. Review status: criteria provided, multiple submitters, no conflicts (2 of 4 stars). 6 submissions from 6 submitters: Uncertain significance (5). 1 of the submissions does not count toward it. Last evaluated 2024-07-19.

Conditions:
Hereditary cancer-predisposing syndrome. Also called: Neoplastic Syndromes, Hereditary; Hereditary Cancer Syndrome; Tumor predisposition; Hereditary neoplastic syndrome. Identifiers: Orphanet 140162, MedGen C0027672, MeSH D009386, MONDO:0015356.
Ataxia-telangiectasia syndrome (AT). Also called: LOUIS-BAR SYNDROME; Cerebello-oculocutaneous telangiectasia; Immunodeficiency with ataxia telangiectasia; Ataxia-telangiectasia, complementation group D; AT, COMPLEMENTATION GROUP C; Ataxia-telangiectasia, complementation group E. Identifiers: Orphanet 100, MedGen C0004135, MONDO:0008840, OMIM 208900.
Familial cancer of breast. Also called: Hereditary breast cancer; BREAST CANCER, FAMILIAL; hereditary breast carcinoma. Identifiers: Orphanet 227535, MedGen C0346153, MONDO:0016419, OMIM 114480. Disease mechanism: loss of function.

Allele frequency attached by ClinVar (database versions not stated): gnomAD exomes below 0.00001.
gnomAD v4.1: 2 of 1,609,920 alleles (0.00012%); highest among the groups gnomAD compares: South Asian, 0.0022%; no homozygotes.

Submissions (6):

Ambry Genetics
Classification: Uncertain significance for Hereditary cancer-predisposing syndrome. Last evaluated: 2024-07-19. Review status: criteria provided, single submitter. Criteria: Ambry Variant Classification Scheme 2023. Collection method: clinical testing. Allele origin: germline.
Comment: The p.F2140L variant (also known as c.6418T>C), located in coding exon 43 of the ATM gene, results from a T to C substitution at nucleotide position 6418.This variant was observed in a study of 1010 unrelated Indian patients with breast and/or ovarian cancer (Singh J et al. Breast Cancer Res Treat, 2018 Jul;170:189-196). The phenylalanine at codon 2140 is replaced by leucine, an amino acid with highly similar properties. This amino acid position is highly conserved in available vertebrate species. In addition, the in silico prediction for this alteration is inconclusive. Based on the available evidence, the clinical significance of this variant remains unclear.

Baylor Genetics
Classification: Uncertain significance for Familial cancer of breast. Last evaluated: 2024-01-11. Review status: criteria provided, single submitter. Criteria: ACMG Guidelines, 2015. Collection method: clinical testing. Allele origin: unknown.

Labcorp Genetics (formerly Invitae), Labcorp
Classification: Uncertain significance for Ataxia-telangiectasia syndrome. Last evaluated: 2023-12-09. Review status: criteria provided, single submitter. Criteria: Invitae Variant Classification Sherloc (09022015). Collection method: clinical testing. Allele origin: germline.
Comment: This sequence change replaces phenylalanine, which is neutral and non-polar, with leucine, which is neutral and non-polar, at codon 2140 of the ATM protein (p.Phe2140Leu). This variant is present in population databases (no rsID available, gnomAD 0.003%). This missense change has been observed in individual(s) with pancreatic ductal adenocarcinoma, breast and/or ovarian cancer (PMID: 33646313, 35171259). ClinVar contains an entry for this variant (Variation ID: 489571). An algorithm developed to predict the effect of missense changes on protein structure and function (PolyPhen-2) suggests that this variant is likely to be disruptive. In summary, the available evidence is currently insufficient to determine the role of this variant in disease. Therefore, it has been classified as a Variant of Uncertain Significance.

GeneDx
Classification: Uncertain significance. Last evaluated: 2022-09-16. Review status: criteria provided, single submitter. Criteria: GeneDx Variant Classification Process June 2021. Collection method: clinical testing. Allele origin: germline. Affected: yes.
Comment: Not observed at significant frequency in large population cohorts (gnomAD); In silico analysis supports that this missense variant does not alter protein structure/function; Observed in individuals with breast and/or ovarian cancer (Singh et al., 2018; George et al., 2021); This variant is associated with the following publications: (PMID: 33646313, 23532176, 29470806)

Color Diagnostics, LLC DBA Color Health
Classification: Uncertain significance for Hereditary cancer-predisposing syndrome. Last evaluated: 2019-05-17. Review status: criteria provided, single submitter. Criteria: ACMG Guidelines, 2015. Collection method: clinical testing. Allele origin: germline.

Natera, Inc.
Classification: Uncertain significance for Ataxia-telangiectasia. Last evaluated: 2020-12-14. Review status: no assertion criteria provided. Collection method: clinical testing. Allele origin: germline. Not counted in ClinVar's aggregate classification.

Literature cited by the submitters: PubMed 29470806 (cited by Ambry Genetics); PubMed 33646313 (cited by Ambry Genetics and Labcorp Genetics (formerly Invitae), Labcorp); PubMed 35171259 (cited by Labcorp Genetics (formerly Invitae), Labcorp).

NM_000051.4(ATM):c.6418T>C (p.Phe2140Leu)

Genes: ATM (ATM serine/threonine kinase; plus strand), C11orf65 (chromosome 11 open reading frame 65; minus strand). Cytogenetic location: 11q22.3.
Variant type: single nucleotide variant.
Coding change: c.6418T>C on transcript NM_000051.4 (MANE Select); coding-DNA position 6418, T replaced by C.
Protein change: p.Phe2140Leu; replaces phenylalanine 2140 with leucine.
Molecular consequence: missense variant. On other transcripts: intron variant (2).
Genome position (GRCh38, 1-based): chr11:108,320,024, T>C. VCF-style: chr11-108320024-T-C. GRCh37 (hg19) VCF-style: chr11-108190751-T-C.
Other names: c.6418T>C, p.Phe2140Leu (NM_001351834.2); c.641-10953A>G (NM_001330368.2); c.*39-10953A>G (NM_001351110.2); short protein forms F2140L.
Identifiers: ClinVar variation 489571 (VCV000489571.30), dbSNP rs1397647612, ClinGen allele CA15067465.